The following is an entry in ClinVar:

NM_002474.3(MYH11):c.4479A>C (p.Glu1493Asp)

Genes: MYH11 (myosin heavy chain 11; minus strand), NDE1 (nudE neurodevelopment protein 1; plus strand). Cytogenetic location: 16p13.11.
Variant type: single nucleotide variant.
Coding change: c.4479A>C on transcript NM_002474.3 (MANE Select); coding-DNA position 4479, A replaced by C.
Protein change: p.Glu1493Asp; replaces glutamic acid 1493 with aspartic acid.
Molecular consequence: missense variant. On other transcripts: intron variant (2).
Genome position (GRCh38, 1-based): chr16:15,721,521, T>G on the plus strand (A>C on the coding strand, the complement: MYH11 is on the minus strand). VCF-style: chr16-15721521-T-G. GRCh37 (hg19) VCF-style: chr16-15815378-T-G.
Other names: c.4500A>C, p.Glu1500Asp (NM_001040113.2, NM_001040114.2); c.4479A>C, p.Glu1493Asp (NM_022844.3); c.948-2670T>G (NM_001143979.2, NM_017668.3); short protein forms E1500D, E1493D.
Identifiers: ClinVar variation 921393 (VCV000921393.9), dbSNP rs755712100, ClinGen allele CA394855203.

ClinVar aggregate classification (germline): Uncertain significance. Review status: criteria provided, multiple submitters, no conflicts (2 of 4 stars). 3 submissions from 3 submitters: Uncertain significance (3). Last evaluated 2024-03-27.

Conditions:
Familial thoracic aortic aneurysm and aortic dissection (TAAD). Also called: Thoracic aortic aneurysms and dissections. Identifiers: Orphanet 91387, MedGen C4707243, MONDO:0019625.
Aortic aneurysm, familial thoracic 4 (AAT4). Also called: AORTIC ANEURYSM/AORTIC DISSECTION AND PATENT DUCTUS ARTERIOSUS. Identifiers: MedGen C1851504, MONDO:0007568, OMIM 132900.

gnomAD v4.1: 4 of 1,614,226 alleles (0.00025%); highest among the groups gnomAD compares: Non-Finnish European, 0.00034%; no homozygotes.

Submissions (3):

Ambry Genetics
Classification: Uncertain significance for Familial thoracic aortic aneurysm and aortic dissection. Last evaluated: 2024-03-27. Review status: criteria provided, single submitter. Criteria: Ambry Variant Classification Scheme 2023. Collection method: clinical testing. Allele origin: germline.
Comment: The p.E1493D variant (also known as c.4479A>C), located in coding exon 31 of the MYH11 gene, results from an A to C substitution at nucleotide position 4479. The glutamic acid at codon 1493 is replaced by aspartic acid, an amino acid with highly similar properties. This amino acid position is conserved. In addition, this alteration is predicted to be tolerated by in silico analysis. Based on the available evidence, the clinical significance of this alteration remains unclear.

Color Diagnostics, LLC DBA Color Health
Classification: Uncertain significance for Familial thoracic aortic aneurysm and aortic dissection. Last evaluated: 2024-03-06. Review status: criteria provided, single submitter. Criteria: ACMG Guidelines, 2015. Collection method: clinical testing. Allele origin: germline.
Comment: This missense variant replaces glutamic acid with aspartic acid at codon 1500 of the MYH11 protein. Computational prediction tool suggests that this variant may not impact protein structure and function (internally defined REVEL score threshold <=0.5, PMID: 27666373). Splice site prediction tools suggest that this variant may not impact RNA splicing. To our knowledge, functional studies have not been performed for this variant. This variant has not been reported in individuals affected with cardiovascular disorders in the literature. This variant has not been identified in the general population by the Genome Aggregation Database (gnomAD). The available evidence is insufficient to determine the role of this variant in disease conclusively. Therefore, this variant is classified as a Variant of Uncertain Significance.

Labcorp Genetics (formerly Invitae), Labcorp
Classification: Uncertain significance for Aortic aneurysm, familial thoracic 4. Last evaluated: 2022-02-27. Review status: criteria provided, single submitter. Criteria: Invitae Variant Classification Sherloc (09022015). Collection method: clinical testing. Allele origin: germline.
Comment: In summary, the available evidence is currently insufficient to determine the role of this variant in disease. Therefore, it has been classified as a Variant of Uncertain Significance. Algorithms developed to predict the effect of missense changes on protein structure and function are either unavailable or do not agree on the potential impact of this missense change (SIFT: "Deleterious"; PolyPhen-2: "Benign"; Align-GVGD: "Class C0"). ClinVar contains an entry for this variant (Variation ID: 921393). This variant has not been reported in the literature in individuals affected with MYH11-related conditions. This variant is not present in population databases (gnomAD no frequency). This sequence change replaces glutamic acid, which is acidic and polar, with aspartic acid, which is acidic and polar, at codon 1500 of the MYH11 protein (p.Glu1500Asp).